The following is an entry in ClinVar:

NM_002458.3(MUC5B):c.8905G>A (p.Gly2969Ser)

Genes: MUC5B (mucin 5B, oligomeric mucus/gel-forming; plus strand), MUC5B-AS1 (MUC5B antisense RNA 1; minus strand). Cytogenetic location: 11p15.5.
Variant type: single nucleotide variant.
Coding change: c.8905G>A on transcript NM_002458.3 (MANE Select); coding-DNA position 8905, G replaced by A.
Protein change: p.Gly2969Ser; replaces glycine 2969 with serine.
Molecular consequence: missense variant.
Genome position (GRCh38, 1-based): chr11:1,245,785, G>A. VCF-style: chr11-1245785-G-A. GRCh37 (hg19) VCF-style: chr11-1267015-G-A.
Other names: c.8905G>A (NM_002458.2); short protein forms G2969S.
Identifiers: ClinVar variation 2641247 (VCV002641247.24), dbSNP rs372575741, ClinGen allele CA5806759.
Genomic context (GRCh38, chr11:1,245,785, plus strand): 5'-CAGGTGGGGAAGTTCAAGATGTGCTTCAACTATGAAATCCGTGTGTTCTGCTGCAACTAC[G>A]GCCACTGCCCCAGCACCCCGGCCACCAGCTCTACGGCCACGCCCTCCTCCACTCCAGGGA-3'
Protein context (NP_002449.2, residues 2959-2979): YEIRVFCCNY[Gly2969Ser]HCPSTPATSS

ClinVar aggregate classification (germline): Benign/Likely benign. Review status: criteria provided, multiple submitters, no conflicts (2 of 4 stars). 2 submissions from 2 submitters: Benign (1); Likely benign (1). Last evaluated 2026-04-01.

Allele frequency attached by ClinVar (database versions not stated): TOPMed 0.00054; 1000 Genomes Project 0.00240; 1000 Genomes Project 30x 0.00265.
gnomAD v4.1: 399 of 1,612,754 alleles (0.025%); highest among the groups gnomAD compares: East Asian, 0.7%; 5 homozygotes.

Submissions (2):

CeGaT Center for Human Genetics Tuebingen
Classification: Benign. Last evaluated: 2026-04-01. Review status: criteria provided, single submitter. Criteria: CeGaT Center For Human Genetics Tuebingen Variant Classification Criteria Version 2. Collection method: clinical testing. Allele origin: germline. Affected: yes. Observed: 2 variant alleles.
Comment: MUC5B: BP4, BS1, BS2

Ambry Genetics
Classification: Likely benign. Last evaluated: 2025-11-23. Review status: criteria provided, single submitter. Criteria: Ambry Variant Classification Scheme 2023. Collection method: clinical testing. Allele origin: germline.